The following is an entry in ClinVar:

ClinVar aggregate classification (germline): Uncertain significance (1 of 4 stars; one submission).

Allele frequency attached by ClinVar (database versions not stated): ExAC 0.00001.

Submission:

Labcorp Genetics (formerly Invitae), Labcorp
Classification: Uncertain significance. Last evaluated: 2023-10-11. Review status: criteria provided, single submitter. Criteria: Invitae Variant Classification Sherloc (09022015). Collection method: clinical testing. Allele origin: germline.
Comment: This sequence change replaces valine, which is neutral and non-polar, with alanine, which is neutral and non-polar, at codon 873 of the ABCB4 protein (p.Val873Ala). This variant is present in population databases (rs760548057, gnomAD 0.003%). This variant has not been reported in the literature in individuals affected with ABCB4-related conditions. Advanced modeling of protein sequence and biophysical properties (such as structural, functional, and spatial information, amino acid conservation, physicochemical variation, residue mobility, and thermodynamic stability) has been performed at Invitae for this missense variant, however the output from this modeling did not meet the statistical confidence thresholds required to predict the impact of this variant on ABCB4 protein function. In summary, the available evidence is currently insufficient to determine the role of this variant in disease. Therefore, it has been classified as a Variant of Uncertain Significance.

NM_000443.4(ABCB4):c.2618T>C (p.Val873Ala)

Gene: ABCB4 (ATP binding cassette subfamily B member 4; minus strand). Cytogenetic location: 7q21.12.
Variant type: single nucleotide variant.
Coding change: c.2618T>C on transcript NM_000443.4 (MANE Select); coding-DNA position 2618, T replaced by C.
Protein change: p.Val873Ala; replaces valine 873 with alanine.
Molecular consequence: missense variant.
Genome position (GRCh38, 1-based): chr7:87,417,376, A>G on the plus strand (T>C on the coding strand, the complement: ABCB4 is on the minus strand). VCF-style: chr7-87417376-A-G. GRCh37 (hg19) VCF-style: chr7-87046692-A-G.
Other names: c.2618T>C, p.Val873Ala (NM_018849.3, NM_018850.3); short protein forms V873A.
Identifiers: ClinVar variation 3003883 (VCV003003883.3), dbSNP rs760548057, ClinGen allele CA4326975.